The following is an entry in ClinVar:

ClinVar aggregate classification (germline): Uncertain significance (1 of 4 stars; one submission).

Conditions:
FRAS1-related disorder. Also called: FRAS1-related condition.

gnomAD v4.1: 5 of 1,613,876 alleles (0.00031%); highest among the groups gnomAD compares: Non-Finnish European, 0.00042%; no homozygotes.

Submission:

PreventionGenetics, part of Exact Sciences
Classification: Uncertain significance for FRAS1-related condition. Last evaluated: 2025-08-08. Review status: criteria provided, single submitter. Criteria: ACMG Guidelines, 2015. Collection method: clinical testing. Allele origin: germline.
Comment: The FRAS1 c.4553A>T variant is predicted to result in the amino acid substitution p.His1518Leu. To our knowledge, this variant has not been reported in the literature. This variant is reported in 0.00089% of alleles in individuals of European (Non-Finnish) descent in gnomAD. At this time, the clinical significance of this variant is uncertain due to the absence of conclusive functional and genetic evidence.

NM_025074.7(FRAS1):c.4553A>T (p.His1518Leu)

Gene: FRAS1 (Fraser extracellular matrix complex subunit 1; plus strand). Cytogenetic location: 4q21.21.
Variant type: single nucleotide variant.
Coding change: c.4553A>T on transcript NM_025074.7 (MANE Select); coding-DNA position 4553, A replaced by T.
Protein change: p.His1518Leu; replaces histidine 1518 with leucine.
Molecular consequence: missense variant.
Genome position (GRCh38, 1-based): chr4:78,421,875, A>T. VCF-style: chr4-78421875-A-T. GRCh37 (hg19) VCF-style: chr4-79343029-A-T.
Other names: c.4553A>T, p.His1518Leu (NM_001166133.2); short protein forms H1518L.
Identifiers: ClinVar variation 4990459 (VCV004990459.1).